The following is an entry in ClinVar:

NM_001035.3(RYR2):c.1477-14_1477-11dup

Gene: RYR2 (ryanodine receptor 2; plus strand). Cytogenetic location: 1q43.
Variant type: Duplication.
Coding change: c.1477-14_1477-11dup on transcript NM_001035.3 (MANE Select); 14 bases into the intron before coding-DNA position 1477 through 11 bases into the intron before coding-DNA position 1477, 4 bases duplicated (TTTT; older notation c.1477-14_1477-11dupTTTT).
Molecular consequence: intron variant.
Genome position (GRCh38, 1-based): chr1:237,456,586-237,456,589, TTTT duplicated; duplicating any 4 consecutive bases within chr1:237,456,576-237,456,589 gives the same sequence; the c. name uses the placement nearest the transcript's 3' end. VCF-style (leftmost placement, unchanged base first): chr1-237456575-A-ATTTT. GRCh37 (hg19) VCF-style: chr1-237619875-A-ATTTT.
Identifiers: ClinVar variation 918143 (VCV000918143.1), dbSNP rs397516518, ClinGen allele CA1139656670.

ClinVar aggregate classification (germline): Likely benign (1 of 4 stars; one submission).

Submission:

Women's Health and Genetics/Laboratory Corporation of America, LabCorp
Classification: Likely benign. Last evaluated: 2020-03-30. Review status: criteria provided, single submitter. Criteria: LabCorp Variant Classification Summary - May 2015. Collection method: clinical testing. Allele origin: germline.
Comment: Variant summary: RYR2 c.1477-14_1477-11dupTTTT alters a nucleotide located close to a canonical splice site and therefore could affect mRNA splicing, leading to a significantly altered protein sequence. 4/4 computational tools predict no significant impact on normal splicing. However, these predictions have yet to be confirmed by functional studies. The variant was absent in 142038 control chromosomes, however there are several other duplicaton and deletions of the polyT tract present in gnomad at a high frequency, suggesting the benign nature of the variant. To our knowledge, no occurrence of c.1477-14_1477-11dupTTTT in individuals affected with Cardiomyopathy and no experimental evidence demonstrating its impact on protein function have been reported. No clinical diagnostic laboratories have submitted clinical-significance assessments for this variant to ClinVar after 2014. Based on the evidence outlined above, the variant was classified as likely benign.